The following is an entry in ClinVar:

ClinVar aggregate classification (germline): Uncertain significance (1 of 4 stars; one submission).

Allele frequency attached by ClinVar (database versions not stated): gnomAD 0.00007.

Submission:

Labcorp Genetics (formerly Invitae), Labcorp
Classification: Uncertain significance. Last evaluated: 2023-09-27. Review status: criteria provided, single submitter. Criteria: Invitae Variant Classification Sherloc (09022015). Collection method: clinical testing. Allele origin: germline.
Comment: This variant occurs in a non-coding region of the FOXF1 gene. It does not change the encoded amino acid sequence of the FOXF1 protein. This variant is present in population databases (no rsID available, gnomAD 0.01%). This variant has not been reported in the literature in individuals affected with FOXF1-related conditions. Experimental studies and prediction algorithms are not available or were not evaluated, and the functional significance of this variant is currently unknown. In summary, the available evidence is currently insufficient to determine the role of this variant in disease. Therefore, it has been classified as a Variant of Uncertain Significance.

NC_000016.10:g.86184713A>G

Gene: FOXF1 (forkhead box F1; plus strand). Cytogenetic location: 16q24.1.
Variant type: single nucleotide variant.
Genome position: GRCh38 VCF-style: chr16-86184713-A-G. GRCh37 (hg19) VCF-style: chr16-86218319-A-G.
Identifiers: ClinVar variation 2869286 (VCV002869286.3), dbSNP rs1040237220, ClinGen allele CA286015033.